The following is an entry in ClinVar:

NM_001165963.4(SCN1A):c.4086C>G (p.Ser1362Arg)

Genes: SCN1A (sodium voltage-gated channel alpha subunit 1; minus strand), LOC102724058 (uncharacterized LOC102724058; plus strand). Cytogenetic location: 2q24.3.
Variant type: single nucleotide variant.
Coding change: c.4086C>G on transcript NM_001165963.4 (MANE Select); coding-DNA position 4086, C replaced by G.
Protein change: p.Ser1362Arg; replaces serine 1362 with arginine.
Molecular consequence: missense variant. On other transcripts: non-coding transcript variant (1).
Genome position (GRCh38, 1-based): chr2:166,002,670, G>C on the plus strand (C>G on the coding strand, the complement: SCN1A is on the minus strand). VCF-style: chr2-166002670-G-C. GRCh37 (hg19) VCF-style: chr2-166859180-G-C.
Other names: c.4002C>G, p.Ser1334Arg (NM_001165964.3, NM_001353957.2, NM_001353958.2); c.4086C>G, p.Ser1362Arg (NM_001202435.3, NM_001353948.2); c.4053C>G, p.Ser1351Arg (NM_001353949.2, NM_001353950.2, NM_001353951.2 and 2 more transcripts); c.4050C>G, p.Ser1350Arg (NM_001353954.2, NM_001353955.2); c.3999C>G, p.Ser1333Arg (NM_001353960.2); c.1644C>G, p.Ser548Arg (NM_001353961.2); short protein forms S1351R, S1362R, S1333R, S1334R, S1350R, S548R.
Identifiers: ClinVar variation 189942 (VCV000189942.6), dbSNP rs794726779, ClinGen allele CA303364.

ClinVar aggregate classification (germline): Pathogenic. Review status: criteria provided, multiple submitters, no conflicts (2 of 4 stars). 2 submissions from 2 submitters: Pathogenic (2). Last evaluated 2023-08-30.

Conditions:
Early-infantile DEE. Also called: Early infantile epileptic encephalopathy; Ohtahara syndrome; Early infantile epileptic encephalopathy with suppression bursts. Identifiers: Orphanet 1934, MedGen C0393706, MONDO:0800491.
Severe myoclonic epilepsy in infancy (DRVT). Also called: Epileptic encephalopathy, early infantile, 6 (Dravet syndrome); SEVERE MYOCLONIC EPILEPSY OF INFANCY; DEVELOPMENTAL AND EPILEPTIC ENCEPHALOPATHY 6A; Severe Myoclonic Epilepsy in Infancy (SMEI); Dravet syndrome. Identifiers: Orphanet 33069, MedGen C0751122, MONDO:0100135, OMIM 607208.

Submissions (2):

Labcorp Genetics (formerly Invitae), Labcorp
Classification: Pathogenic for Early-infantile DEE. Last evaluated: 2023-08-30. Review status: criteria provided, single submitter. Criteria: Invitae Variant Classification Sherloc (09022015). Collection method: clinical testing. Allele origin: germline.
Comment: This sequence change replaces serine, which is neutral and polar, with arginine, which is basic and polar, at codon 1362 of the SCN1A protein (p.Ser1362Arg). This variant is not present in population databases (gnomAD no frequency). This missense change has been observed in individual(s) with Dravet syndrome (PMID: 26096185). In at least one individual the variant was observed to be de novo. ClinVar contains an entry for this variant (Variation ID: 189942). Advanced modeling of protein sequence and biophysical properties (such as structural, functional, and spatial information, amino acid conservation, physicochemical variation, residue mobility, and thermodynamic stability) performed at Invitae indicates that this missense variant is expected to disrupt SCN1A protein function. Algorithms developed to predict the effect of sequence changes on RNA splicing suggest that this variant may create or strengthen a splice site. For these reasons, this variant has been classified as Pathogenic.

Center for Bioinformatics, Peking University
Classification: Pathogenic for Dravet syndrome. Last evaluated: 2014-12-20. Review status: criteria provided, single submitter. Criteria: Xu et al. (Hum Mutat. 2015). Collection method: research. Allele origin: de novo. Affected: yes. Observed: 1 variant allele. Study: University Clinical Cooperation “985 Project” PKU-2014-1-1.
Comment: Dravet syndrome (DS) probands were recruited from the outpatient and inpatient child neurology units of Peking University First Hospital from 2005 till present. The study was approved by the Ethics Committee of Peking University First Hospital and the Institutional Review Board at Peking University. Participants or their parents provided written informed consent before enrollment. We collected a total of 267 mutations from 255 families with probands diagnosed with DS in China. All probands fulfilled the clinical diagnostic criteria.

Literature cited by the submitters: PubMed 26096185 (cited by Labcorp Genetics (formerly Invitae), Labcorp).